The following continues an entry in ClinVar:

NM_002834.5(PTPN11):c.1504T>G (p.Ser502Ala)

Gene: PTPN11. ClinVar aggregate classification (germline): Pathogenic. Pathogenic (11).

Submissions 8 to 11 of 11:

Women's Health and Genetics/Laboratory Corporation of America, LabCorp
Classification: Pathogenic for RASopathy. Last evaluated: 2021-09-25. Review status: criteria provided, single submitter. Criteria: LabCorp Variant Classification Summary - May 2015. Collection method: clinical testing. Allele origin: germline.
Comment: Variant summary: PTPN11 c.1504T>G (p.Ser502Ala) results in a conservative amino acid change located in the PTP type protein phosphatase domain (IPR000242) of the encoded protein sequence. Four of five in-silico tools predict a damaging effect of the variant on protein function. Other amino acid changes at this location (Ser502Thr, Ser502Ala, Ser502Leu) have been associated with the clinical features of Noonan syndrome and/or LEOPARD syndrome suggesting that Ser 502 is a critical amino acid essential for protein function (Tartaglia_2006). The variant was absent in 252116 control chromosomes. c.1504T>G has been reported in the literature as a de-novo germline variant in multiple individuals affected with Noonan Syndrome and related disorders as well as a somatic variant in settings of myelodysplastic related acute myeloid leukaemia (example, Kratz_2005, Tartaglia_2005, Tartaglia_2006, Kamisago_2005, Sakaguchi_2013, Ezquieta_2012, Joyce_2016). These data indicate that the variant is very likely to be associated with disease. Three clinical diagnostic laboratories have submitted clinical-significance assessments for this variant to ClinVar after 2014 without evidence for independent evaluation. All laboratories classified the variant as pathogenic. Based on the evidence outlined above, the variant was classified as pathogenic.

Mayo Clinic Laboratories, Mayo Clinic
Classification: Pathogenic. Last evaluated: 2020-09-02. Review status: criteria provided, single submitter. Criteria: ACMG Guidelines, 2015. Collection method: clinical testing. Allele origin: germline. Observed: 2 variant alleles.
Comment: PS4, PM6_Strong, PM5, PM2, PP3

Revvity Omics, Revvity
Classification: Pathogenic. Last evaluated: 2020-02-12. Review status: criteria provided, single submitter. Criteria: ACMG Guidelines, 2015. Collection method: clinical testing. Allele origin: germline.

Laboratory for Molecular Medicine, Mass General Brigham Personalized Medicine
Classification: Pathogenic for Noonan syndrome; Juvenile myelomonocytic leukemia. Last evaluated: 2014-01-07. Review status: criteria provided, single submitter. Criteria: LMM Criteria. Collection method: clinical testing. Allele origin: germline. Inheritance: Autosomal dominant inheritance. Observed: 2 variant alleles.
Comment: The Ser502Ala variant in PTPN11 has been previously identified in 2 individuals with clinical features of Noonan syndrome, including in 1 individual where it wa s found to have occurred de novo and in 1 individual who developed juvenile myel omonocytic leukemia (JMML; Kratz 2005, Sakaguchi 2013). This variant has also be en identified in 1 individual with acute myeloid leukemia (AML; Tartaglia 2005). In addition, this variant is absent from large population studies. Three other amino acid changes at this location (Ser502Thr, Ser502Pro, Ser502Leu) have been associated with the clinical features of Noonan syndrome and/or LEOPARD syndrome , and have also been identified as somatic variants in individuals with hematolo gic malignancies (Tartaglia 2006, Goemans 2005, Paulsson 2007, Ko 2008, Aoki 200 8). In summary, this variant meets our criteria to be classified as pathogenic based upon de novo occurrence, absence from the g eneral population, and multiple additional pathogenic variants at this position.

Literature cited by the submitters: PubMed 15928039 (cited by 6 submitters); PubMed 16358218 (cited by 4 submitters); PubMed 26242988 (cited by 5 submitters); PubMed 12325025 (cited by Labcorp Genetics (formerly Invitae), Labcorp and Ambry Genetics); PubMed 17020470 (cited by Labcorp Genetics (formerly Invitae), Labcorp); PubMed 19020799 (cited by Labcorp Genetics (formerly Invitae), Labcorp and Laboratory for Molecular Medicine, Mass General Brigham Personalized Medicine); PubMed 32164556 (cited by Labcorp Genetics (formerly Invitae), Labcorp and Ambry Genetics); PubMed 31263281 (cited by Variantyx, Inc. and Mayo Clinic Laboratories, Mayo Clinic); PubMed 23832011 (cited by 5 submitters); PubMed 26424407 (cited by Ambry Genetics); PubMed 33794220 (cited by Ambry Genetics); PubMed 38572385 (cited by Ambry Genetics); PubMed 15842656 (cited by Women's Health and Genetics/Laboratory Corporation of America, LabCorp and Laboratory for Molecular Medicine, Mass General Brigham Personalized Medicine); PubMed 22465605 (cited by Women's Health and Genetics/Laboratory Corporation of America, LabCorp); PubMed 24803665 (cited by Mayo Clinic Laboratories, Mayo Clinic); PubMed 25097206 (cited by Mayo Clinic Laboratories, Mayo Clinic); PubMed 16115145 (cited by Laboratory for Molecular Medicine, Mass General Brigham Personalized Medicine); PubMed 17910045 (cited by Laboratory for Molecular Medicine, Mass General Brigham Personalized Medicine); PubMed 18470943 (cited by Laboratory for Molecular Medicine, Mass General Brigham Personalized Medicine).